The following is an entry in ClinVar:

NM_015450.3(POT1):c.255+218A>G

Gene: POT1 (protection of telomeres 1; minus strand). Cytogenetic location: 7q31.33.
Variant type: single nucleotide variant.
Coding change: c.255+218A>G on transcript NM_015450.3 (MANE Select); 218 bases into the intron after coding-DNA position 255, A replaced by G.
Molecular consequence: intron variant.
Genome position (GRCh38, 1-based): chr7:124,870,693, T>C on the plus strand (A>G on the coding strand, the complement: POT1 is on the minus strand). VCF-style: chr7-124870693-T-C. GRCh37 (hg19) VCF-style: chr7-124510747-T-C.
Other names: c.-138-7053A>G (NM_001042594.2).
Identifiers: ClinVar variation 678413 (VCV000678413.1), dbSNP rs140769533, ClinGen allele CA166079669.

ClinVar aggregate classification (germline): Likely benign (1 of 4 stars; one submission).

Allele frequency attached by ClinVar (database versions not stated): gnomAD 0.00517 and 0.00553; TOPMed 0.00591; 1000 Genomes Project 0.00739; 1000 Genomes Project 30x 0.00750.
gnomAD v4.1: 781 of 152,270 alleles (0.51%); highest among the groups gnomAD compares: African/African-American, 1.7%; 9 homozygotes.

Submission:

GeneDx
Classification: Likely benign. Last evaluated: 2018-06-14. Review status: criteria provided, single submitter. Criteria: GeneDx Variant Classification (06012015). Collection method: clinical testing. Allele origin: germline. Affected: yes.
Comment: This variant is considered likely benign or benign based on one or more of the following criteria: it is a conservative change, it occurs at a poorly conserved position in the protein, it is predicted to be benign by multiple in silico algorithms, and/or has population frequency not consistent with disease.